The following is an entry in ClinVar:

ClinVar aggregate classification (germline): Uncertain significance (1 of 4 stars; one submission).

Conditions:
Hereditary cancer-predisposing syndrome. Also called: Neoplastic Syndromes, Hereditary; Tumor predisposition; Hereditary neoplastic syndrome; Hereditary Cancer Syndrome. Identifiers: Orphanet 140162, MedGen C0027672, MeSH D009386, MONDO:0015356.

Submission:

Ambry Genetics
Classification: Uncertain significance for Hereditary cancer-predisposing syndrome. Last evaluated: 2024-02-23. Review status: criteria provided, single submitter. Criteria: Ambry Variant Classification Scheme 2023. Collection method: clinical testing. Allele origin: germline.
Comment: The p.A611V variant (also known as c.1832C>T), located in coding exon 13 of the TSC1 gene, results from a C to T substitution at nucleotide position 1832. The alanine at codon 611 is replaced by valine, an amino acid with similar properties. This amino acid position is conserved. In addition, this alteration is predicted to be deleterious by in silico analysis. Based on the available evidence, the clinical significance of this alteration remains unclear.

NM_000368.5(TSC1):c.1832C>T (p.Ala611Val)

Gene: TSC1 (TSC complex subunit 1; minus strand). Cytogenetic location: 9q34.13.
Variant type: single nucleotide variant.
Coding change: c.1832C>T on transcript NM_000368.5 (MANE Select); coding-DNA position 1832, C replaced by T.
Protein change: p.Ala611Val; replaces alanine 611 with valine.
Molecular consequence: missense variant. On other transcripts: non-coding transcript variant (5).
Genome position (GRCh38, 1-based): chr9:132,905,746, G>A on the plus strand (C>T on the coding strand, the complement: TSC1 is on the minus strand). VCF-style: chr9-132905746-G-A. GRCh37 (hg19) VCF-style: chr9-135781133-G-A.
Other names: c.1829C>T, p.Ala610Val (NM_001162426.2, NM_001406597.1, NM_001406598.1 and 6 more transcripts); c.1679C>T, p.Ala560Val (NM_001162427.2, NM_001406610.1); c.1469C>T, p.Ala490Val (NM_001362177.2, NM_001406614.1, NM_001406615.1 and 5 more transcripts); c.1832C>T, p.Ala611Val (NM_001406592.1, NM_001406593.1, NM_001406594.1 and 7 more transcripts); c.1676C>T, p.Ala559Val (NM_001406611.1, NM_001406612.1, NM_001406613.1); c.1466C>T, p.Ala489Val (NM_001406620.1, NM_001406621.1, NM_001406622.1 and 2 more transcripts); c.881C>T, p.Ala294Val (NM_001406626.1); c.878C>T, p.Ala293Val (NM_001406627.1, NM_001406628.1); and 1 more; short protein forms A260V, A293V, A294V, A489V, A490V, A559V, A560V, A610V.
Identifiers: ClinVar variation 3231284 (VCV003231284.1), dbSNP rs2538712922, ClinGen allele CA375363213.